The following is an entry in ClinVar:

ClinVar aggregate classification (germline): Likely benign. Review status: criteria provided, single submitter (1 of 4 stars). 2 submissions from 2 submitters: Likely benign (1). 1 of the submissions does not count toward it. Last evaluated 2019-12-31.

Conditions:
MCTP2-related disorder. Also called: MCTP2-related condition.

Allele frequency attached by ClinVar (database versions not stated): gnomAD exomes 0.00008 and 0.00020; ExAC 0.00025; gnomAD 0.00093 and 0.00102; TOPMed 0.00097; 1000 Genomes Project 0.00120; 1000 Genomes Project 30x 0.00125.
gnomAD v4.1: 262 of 1,614,152 alleles (0.016%); highest among the groups gnomAD compares: African/African-American, 0.32%; no homozygotes.

Submissions (2):

Labcorp Genetics (formerly Invitae), Labcorp
Classification: Likely benign. Last evaluated: 2019-12-31. Review status: criteria provided, single submitter. Criteria: Invitae Variant Classification Sherloc (09022015). Collection method: clinical testing. Allele origin: germline.

PreventionGenetics, part of Exact Sciences
Classification: Likely benign for MCTP2-related condition. Last evaluated: 2022-04-08. Review status: no assertion criteria provided. Collection method: clinical testing. Allele origin: germline. Not counted in ClinVar's aggregate classification.
Comment: This variant is classified as likely benign based on ACMG/AMP sequence variant interpretation guidelines (Richards et al. 2015 PMID: 25741868, with internal and published modifications).

NM_001385001.1(MCTP2):c.137G>A (p.Arg46His)

Gene: MCTP2 (multiple C2 and transmembrane domain containing 2; plus strand). Cytogenetic location: 15q26.2.
Variant type: single nucleotide variant.
Coding change: c.137G>A on transcript NM_001385001.1 (MANE Select); coding-DNA position 137, G replaced by A.
Protein change: p.Arg46His; replaces arginine 46 with histidine.
Molecular consequence: missense variant. On other transcripts: 5 prime UTR variant (2), non-coding transcript variant (7), intron variant (2).
Genome position (GRCh38, 1-based): chr15:94,298,402, G>A. VCF-style: chr15-94298402-G-A. GRCh37 (hg19) VCF-style: chr15-94841631-G-A.
Other names: c.137G>A, p.Arg46His (NM_001159643.2, NM_001385002.1, NM_001385003.1 and 5 more transcripts); c.-204G>A (NM_001385007.1, NM_001385011.1); c.-33-15880G>A (NM_001385009.1, NM_001385010.1); short protein forms R46H.
Identifiers: ClinVar variation 744094 (VCV000744094.6), dbSNP rs61735139, ClinGen allele CA7749405.